The following is an entry in ClinVar:

ClinVar aggregate classification (germline): Likely benign (0 of 4 stars; one submission).

Conditions:
DMBT1-related disorder. Also called: DMBT1-related condition.

Allele frequency attached by ClinVar (database versions not stated): gnomAD exomes 0.00029; ExAC 0.00105; ESP Exome Variant Server 0.00184; gnomAD 0.00190; 1000 Genomes Project 30x 0.00297; 1000 Genomes Project 0.00339.
gnomAD v4.1: 690 of 1,585,516 alleles (0.044%); highest among the groups gnomAD compares: African/African-American, 0.56%; 62 homozygotes.

Submission:

PreventionGenetics, part of Exact Sciences
Classification: Likely benign for DMBT1-related condition. Last evaluated: 2019-04-10. Review status: no assertion criteria provided. Collection method: clinical testing. Allele origin: germline.
Comment: This variant is classified as likely benign based on ACMG/AMP sequence variant interpretation guidelines (Richards et al. 2015 PMID: 25741868, with internal and published modifications).

NM_001377530.1(DMBT1):c.1459+7A>T

Gene: DMBT1 (deleted in malignant brain tumors 1; plus strand). Cytogenetic location: 10q26.13.
Variant type: single nucleotide variant.
Coding change: c.1459+7A>T on transcript NM_001377530.1 (MANE Select); 7 bases into the intron after coding-DNA position 1459, A replaced by T.
Molecular consequence: intron variant.
Genome position (GRCh38, 1-based): chr10:122,585,316, A>T. VCF-style: chr10-122585316-A-T. GRCh37 (hg19) VCF-style: chr10-124344832-A-T.
Other names: c.1459+7A>T (NM_007329.3, NM_001320644.2); c.1420+965A>T (NM_004406.3); c.1429+7A>T (NM_017579.3).
Identifiers: ClinVar variation 3051350 (VCV003051350.2), dbSNP rs187566620, ClinGen allele CA5726787.
Genomic context (GRCh38, chr10:122,585,316, plus strand): 5'-CTGTTGCAATTACAGACACGTTGCCGACCATCACCTTACCTGCATCGACAGTAGGTAAAT[A>T]ATCCTCTCGCCCCTCCCTAGGGCTCACTCTCTACCTCTGGACAAATGTTTTTTTCTGAAA-3'